The following is an entry in ClinVar:

NM_001164277.2(SLC37A4):c.728G>A (p.Cys243Tyr)

Gene: SLC37A4 (solute carrier family 37 member 4; minus strand). Cytogenetic location: 11q23.3.
Variant type: single nucleotide variant.
Coding change: c.728G>A on transcript NM_001164277.2 (MANE Select); coding-DNA position 728, G replaced by A.
Protein change: p.Cys243Tyr; replaces cysteine 243 with tyrosine.
Molecular consequence: missense variant.
Genome position (GRCh38, 1-based): chr11:119,026,993, C>T on the plus strand (G>A on the coding strand, the complement: SLC37A4 is on the minus strand). VCF-style: chr11-119026993-C-T. GRCh37 (hg19) VCF-style: chr11-118897703-C-T.
Other names: c.728G>A, p.Cys243Tyr (NM_001164278.2, NM_001164280.2, NM_001467.6); c.509G>A, p.Cys170Tyr (NM_001164279.2); short protein forms C243Y, C170Y.
Identifiers: ClinVar variation 556676 (VCV000556676.4), dbSNP rs1555191076, ClinGen allele CA382901155.

ClinVar aggregate classification (germline): Uncertain significance. Review status: criteria provided, single submitter (1 of 4 stars). 2 submissions from 2 submitters: Uncertain significance (1). 1 of the submissions does not count toward it. Last evaluated 2021-07-26.

Conditions:
Glucose-6-phosphate transport defect (GSD1B). Also called: Glycogen Storage Disease Type Ib; GSD Ib. Identifiers: Orphanet 364, Orphanet 79259, MedGen C0268146, MONDO:0009288, OMIM 232220.

Allele frequency attached by ClinVar (database versions not stated): gnomAD exomes below 0.00001.

Submissions (2):

Labcorp Genetics (formerly Invitae), Labcorp
Classification: Uncertain significance for Glucose-6-phosphate transport defect. Last evaluated: 2021-07-26. Review status: criteria provided, single submitter. Criteria: Invitae Variant Classification Sherloc (09022015). Collection method: clinical testing. Allele origin: germline.
Comment: This sequence change replaces cysteine with tyrosine at codon 243 of the SLC37A4 protein (p.Cys243Tyr). The cysteine residue is highly conserved and there is a large physicochemical difference between cysteine and tyrosine. This variant is not present in population databases (ExAC no frequency). This variant has not been reported in the literature in individuals affected with SLC37A4-related conditions. ClinVar contains an entry for this variant (Variation ID: 556676). Experimental studies and prediction algorithms are not available or were not evaluated, and the functional significance of this variant is currently unknown. In summary, the available evidence is currently insufficient to determine the role of this variant in disease. Therefore, it has been classified as a Variant of Uncertain Significance.

Counsyl
Classification: Uncertain significance for Glucose-6-phosphate transport defect. Last evaluated: 2018-02-13. Review status: no assertion criteria provided. Collection method: clinical testing. Allele origin: unknown. Not counted in ClinVar's aggregate classification.